The following is an entry in ClinVar:

ClinVar aggregate classification (germline): Pathogenic (1 of 4 stars; one submission).

Submissions (2):

GeneDx
Classification: Pathogenic. Last evaluated: 2018-08-31. Review status: criteria provided, single submitter. Criteria: GeneDx Variant Classification (06012015). Collection method: clinical testing. Allele origin: germline. Affected: yes.
Comment: The Q4732X variant in the KMT2D gene has not been reported previously as a pathogenic variant nor as a benign variant, to our knowledge. This variant is predicted to cause loss of normal protein function either through protein truncation or nonsense-mediated mRNA decay. The Q4732X variant is not observed in large population cohorts (Lek et al., 2016; 1000 Genomes Consortium et al., 2015; Exome Variant Server). We interpret Q4732X as a pathogenic variant.

Dr. Peter K. Rogan Lab, Western University
No classification provided (evidence only). Condition: Malignant tumor of esophagus. Review status: no classification provided. Collection method: in vitro. Allele origin: not applicable. Functional consequence: retained intron. Not counted in ClinVar's aggregate classification.

NM_003482.4(KMT2D):c.14194C>T (p.Gln4732Ter)

Gene: KMT2D (lysine methyltransferase 2D; minus strand). Cytogenetic location: 12q13.12.
Variant type: single nucleotide variant.
Coding change: c.14194C>T on transcript NM_003482.4 (MANE Select); coding-DNA position 14194, C replaced by T.
Protein change: p.Gln4732Ter; replaces glutamine 4732 with a stop codon.
Molecular consequence: nonsense.
Genome position (GRCh38, 1-based): chr12:49,029,118, G>A on the plus strand (C>T on the coding strand, the complement: KMT2D is on the minus strand). VCF-style: chr12-49029118-G-A. GRCh37 (hg19) VCF-style: chr12-49422901-G-A.
Other names: NC_000012.11:g.49422901G>A; short protein forms Q4732*.
Identifiers: ClinVar variation 451416 (VCV000451416.3), dbSNP rs1555186520, ClinGen allele CA384697188.
Genomic context (GRCh38, chr12:49,029,118, plus strand): 5'-TACCTGGGATGCTGGCCCGAGGAATGAGGGGGATGACAGGGGAGAGGGCCCGGTCCTCTT[G>A]CTCCCACCGGCCTGAGCCCAGATGAGGGAAACGAGGGGCCTCCTCCCCCAAGATGCTCTC-3'